The following is an entry in ClinVar:

NM_031407.7(HUWE1):c.8942G>A (p.Arg2981His)

Gene: HUWE1 (HECT, UBA and WWE domain containing E3 ubiquitin protein ligase 1; minus strand). Cytogenetic location: Xp11.22.
Variant type: single nucleotide variant.
Coding change: c.8942G>A on transcript NM_031407.7 (MANE Select); coding-DNA position 8942, G replaced by A.
Protein change: p.Arg2981His; replaces arginine 2981 with histidine.
Molecular consequence: missense variant.
Genome position (GRCh38, 1-based): chrX:53,551,420, C>T on the plus strand (G>A on the coding strand, the complement: HUWE1 is on the minus strand). VCF-style: chrX-53551420-C-T. GRCh37 (hg19) VCF-style: chrX-53578381-C-T.
Other names: short protein forms R2981H.
Identifiers: ClinVar variation 10677 (VCV000010677.8), dbSNP rs121918526, ClinGen allele CA121142.
Genomic context (GRCh38, chrX:53,551,420, plus strand): 5'-GTGGAGGGGGCAGTCCGGGTTGGTGGACGAATGCCTAGCTGGTTCTGTAGAACTTCCCGA[C>T]GGATGTCATCAGGCAGGGCAGCCAGAAAAGAGGGGTCCACACCTTCAGGGAGACTGATAC-3'
Protein context (NP_113584.3, residues 2971-2991): SFLAALPDDI[Arg2981His]REVLQNQLGI

ClinVar aggregate classification (germline): Pathogenic/Likely pathogenic. Review status: criteria provided, multiple submitters, no conflicts (2 of 4 stars). 3 submissions from 3 submitters: Pathogenic (1); Likely pathogenic (1). 1 of the submissions does not count toward it. Last evaluated 2024-04-04.

Conditions:
Intellectual developmental disorder, X-linked, syndromic, Turner type. Also called: Intellectual disability, X-linked syndromic, Turner type; X-linked intellectual disability, Turner type. Identifiers: Orphanet 3056, Orphanet 85328, MedGen C2678046, MONDO:0010407, OMIM 309590.

Submissions (3):

GeneDx
Classification: Pathogenic. Last evaluated: 2024-04-04. Review status: criteria provided, single submitter. Criteria: GeneDx Variant Classification Process June 2021. Collection method: clinical testing. Allele origin: germline. Affected: yes.
Comment: Not observed at significant frequency in large population cohorts (gnomAD); In silico analysis supports that this missense variant has a deleterious effect on protein structure/function; This variant is associated with the following publications: (PMID: 23871722, 18252223, 27130160, 19377476, 33057194, 35982159)

Institute of Human Genetics, University of Leipzig Medical Center
Classification: Likely pathogenic for Intellectual developmental disorder, X-linked, syndromic, Turner type. Last evaluated: 2023-03-21. Review status: criteria provided, single submitter. Criteria: ACMG Guidelines, 2015. Collection method: clinical testing. Allele origin: de novo. Affected: yes.
Comment: This variant was identified as hemizygous._x000D_ Criteria applied: PS2_MOD, PS3_SUP, PS4_SUP, PM2_SUP, PP2, PP3

OMIM
Classification: Pathogenic for INTELLECTUAL DEVELOPMENTAL DISORDER, X-LINKED, SYNDROMIC, TURNER TYPE. Last evaluated: 2008-02-01. Review status: no assertion criteria provided. Collection method: literature only. Allele origin: germline. Not counted in ClinVar's aggregate classification.

Literature cited by the submitters: PubMed 18252223 (cited by OMIM); PubMed 29118367 (cited by OMIM).